The following is an entry in ClinVar:

NM_033118.4(MYLK2):c.1774A>G (p.Met592Val)

Gene: MYLK2 (myosin light chain kinase 2; plus strand). Cytogenetic location: 20q11.21.
Variant type: single nucleotide variant.
Coding change: c.1774A>G on transcript NM_033118.4 (MANE Select); coding-DNA position 1774, A replaced by G.
Protein change: p.Met592Val; replaces methionine 592 with valine.
Molecular consequence: missense variant.
Genome position (GRCh38, 1-based): chr20:31,833,780, A>G. VCF-style: chr20-31833780-A-G. GRCh37 (hg19) VCF-style: chr20-30421583-A-G.
Other names: short protein forms M592V.
Identifiers: ClinVar variation 2039191 (VCV002039191.5), dbSNP rs781492844, ClinGen allele CA9803335.

ClinVar aggregate classification (germline): Uncertain significance. Review status: criteria provided, multiple submitters, no conflicts (2 of 4 stars). 2 submissions from 2 submitters: Uncertain significance (2). Last evaluated 2025-10-21.

Conditions:
Hypertrophic cardiomyopathy 1 (CMH1). Also called: MYH7-Related Familial Hypertrophic Cardiomyopathy; Familial hypertrophic cardiomyopathy 1. Identifiers: MedGen C3495498, MONDO:0008647, OMIM 192600.

Allele frequency attached by ClinVar (database versions not stated): ExAC 0.00001; TOPMed 0.00002; gnomAD 0.00003.
gnomAD v4.1: 4 of 1,613,182 alleles (0.00025%); highest among the groups gnomAD compares: African/African-American, 0.0027%; no homozygotes.

Submissions (2):

Labcorp Genetics (formerly Invitae), Labcorp
Classification: Uncertain significance for Hypertrophic cardiomyopathy 1. Last evaluated: 2025-10-21. Review status: criteria provided, single submitter. Criteria: Invitae Variant Classification Sherloc (09022015). Collection method: clinical testing. Allele origin: germline.
Comment: This sequence change replaces methionine, which is neutral and non-polar, with valine, which is neutral and non-polar, at codon 592 of the MYLK2 protein (p.Met592Val). This variant is present in population databases (rs781492844, gnomAD 0.008%). This variant has not been reported in the literature in individuals affected with MYLK2-related conditions. ClinVar contains an entry for this variant (Variation ID: 2039191). An algorithm developed to predict the effect of missense changes on protein structure and function (PolyPhen-2) suggests that this variant is likely to be disruptive. In summary, the available evidence is currently insufficient to determine the role of this variant in disease. Therefore, it has been classified as a Variant of Uncertain Significance.

GeneDx
Classification: Uncertain significance. Last evaluated: 2024-10-28. Review status: criteria provided, single submitter. Criteria: GeneDx Variant Classification Process June 2021. Collection method: clinical testing. Allele origin: germline. Affected: yes.
Comment: Has not been previously published as pathogenic or benign to our knowledge; Not observed at significant frequency in large population cohorts (gnomAD); In silico analysis indicates that this missense variant does not alter protein structure/function